The following is an entry in ClinVar:

ClinVar aggregate classification (germline): Uncertain significance. Review status: criteria provided, multiple submitters, no conflicts (2 of 4 stars). 2 submissions from 2 submitters: Uncertain significance (2). Last evaluated 2024-06-24.

Conditions:
Hereditary cancer-predisposing syndrome. Also called: Neoplastic Syndromes, Hereditary; Tumor predisposition; Hereditary Cancer Syndrome; Hereditary neoplastic syndrome. Identifiers: Orphanet 140162, MedGen C0027672, MeSH D009386, MONDO:0015356.
Familial cancer of breast. Also called: BREAST CANCER, FAMILIAL; Hereditary breast cancer; hereditary breast carcinoma. Identifiers: Orphanet 227535, MedGen C0346153, MONDO:0016419, OMIM 114480. Disease mechanism: loss of function.

Submissions (2):

Labcorp Genetics (formerly Invitae), Labcorp
Classification: Uncertain significance for Familial cancer of breast. Last evaluated: 2024-06-24. Review status: criteria provided, single submitter. Criteria: Invitae Variant Classification Sherloc (09022015). Collection method: clinical testing. Allele origin: germline.
Comment: This sequence change replaces cysteine, which is neutral and slightly polar, with serine, which is neutral and polar, at codon 886 of the PALB2 protein (p.Cys886Ser). This variant is not present in population databases (gnomAD no frequency). This variant has not been reported in the literature in individuals affected with PALB2-related conditions. ClinVar contains an entry for this variant (Variation ID: 484187). Advanced modeling of protein sequence and biophysical properties (such as structural, functional, and spatial information, amino acid conservation, physicochemical variation, residue mobility, and thermodynamic stability) performed at Invitae indicates that this missense variant is expected to disrupt PALB2 protein function with a positive predictive value of 80%. In summary, the available evidence is currently insufficient to determine the role of this variant in disease. Therefore, it has been classified as a Variant of Uncertain Significance.

Ambry Genetics
Classification: Uncertain significance for Hereditary cancer-predisposing syndrome. Last evaluated: 2023-07-05. Review status: criteria provided, single submitter. Criteria: Ambry Variant Classification Scheme 2023. Collection method: clinical testing. Allele origin: germline.
Comment: The p.C886S variant (also known as c.2656T>A), located in coding exon 7 of the PALB2 gene, results from a T to A substitution at nucleotide position 2656. The cysteine at codon 886 is replaced by serine, an amino acid with dissimilar properties. This variant was not reported in population based cohorts in the following databases: Database of Single Nucleotide Polymorphisms (dbSNP), NHLBI Exome Sequencing Project (ESP), and 1000 Genomes Project. In the ESP, this variant was not observed in 6497 samples (12994 alleles) with coverage at this position. To date, this alteration has been detected with an allele frequency of approximately 0.004% (greater than 225000 alleles tested) in our clinical cohort. This amino acid position is highly conserved in available vertebrate species. In addition, the in silico prediction for this alteration is inconclusive. Since supporting evidence is limited at this time, the clinical significance of this alteration remains unclear.

NM_024675.4(PALB2):c.2656T>A (p.Cys886Ser)

Gene: PALB2 (partner and localizer of BRCA2; minus strand). Cytogenetic location: 16p12.2.
Variant type: single nucleotide variant.
Coding change: c.2656T>A on transcript NM_024675.4 (MANE Select); coding-DNA position 2656, T replaced by A.
Protein change: p.Cys886Ser; replaces cysteine 886 with serine.
Molecular consequence: missense variant.
Genome position (GRCh38, 1-based): chr16:23,626,328, A>T on the plus strand (T>A on the coding strand, the complement: PALB2 is on the minus strand). VCF-style: chr16-23626328-A-T. GRCh37 (hg19) VCF-style: chr16-23637649-A-T.
Other names: short protein forms C886S.
Identifiers: ClinVar variation 484187 (VCV000484187.12), dbSNP rs1555459977, ClinGen allele CA395122106.
Genomic context (GRCh38, chr16:23,626,328, plus strand): 5'-ACTGCCAAGCATCCAGAGCTTTCCAAAGAGAAACTACATCTTCGCAAGCAGTTATGATAC[A>T]TGGCTCTTTACAACCGGCTCTTTCCCAAAACATGGCACTCACATCTACGGAACAGGAACC-3'
Protein context (NP_078951.2, residues 876-896): FWERAGCKEP[Cys886Ser]IITACEDVVS